The following is an entry in ClinVar:

NM_032043.3(BRIP1):c.-205G>A

Gene: BRIP1 (BRCA1 interacting DNA helicase 1; minus strand). Cytogenetic location: 17q23.2.
Variant type: single nucleotide variant.
Coding change: c.-205G>A on transcript NM_032043.3 (MANE Select); 205 bases upstream of the start codon, G replaced by A.
Molecular consequence: 5 prime UTR variant.
Genome position (GRCh38, 1-based): chr17:61,863,458, C>T on the plus strand (G>A on the coding strand, the complement: BRIP1 is on the minus strand). VCF-style: chr17-61863458-C-T. GRCh37 (hg19) VCF-style: chr17-59940819-C-T.
Identifiers: ClinVar variation 324354 (VCV000324354.8), dbSNP rs2048718, ClinGen allele CA10646356.

ClinVar aggregate classification (germline): Benign. Review status: criteria provided, multiple submitters, no conflicts (2 of 4 stars). 4 submissions from 4 submitters: Benign (4). Last evaluated 2025-07-10.

Conditions:
Hereditary cancer-predisposing syndrome. Also called: Neoplastic Syndromes, Hereditary; Hereditary neoplastic syndrome; Tumor predisposition; Hereditary Cancer Syndrome. Identifiers: Orphanet 140162, MedGen C0027672, MeSH D009386, MONDO:0015356.
Fanconi anemia complementation group J. Also called: BRIP1-Related Fanconi Anemia. Identifiers: Orphanet 84, MedGen C1836860, MONDO:0012187, OMIM 609054.

Allele frequency attached by ClinVar (database versions not stated): TOPMed 0.41866; gnomAD 0.42481; gnomAD exomes 0.45833; 1000 Genomes Project 30x 0.51218; 1000 Genomes Project 0.52296.
gnomAD v4.1: 64,830 of 151,882 alleles (43%); highest among the groups gnomAD compares: East Asian, 80%; 15,252 homozygotes.

Submissions (4):

GeneKor MSA
Classification: Benign for Hereditary cancer-predisposing syndrome. Last evaluated: 2025-07-10. Review status: criteria provided, single submitter. Criteria: ACMG Guidelines, 2015. Collection method: clinical testing. Allele origin: germline.

Illumina Laboratory Services, Illumina
Classification: Benign for Fanconi anemia complementation group J. Last evaluated: 2018-01-12. Review status: criteria provided, single submitter. Criteria: ICSL Variant Classification Criteria 13 December 2019. Collection method: clinical testing. Allele origin: germline.
Comment: This variant was observed in the ICSL laboratory as part of a predisposition screen in an ostensibly healthy population. It had not been previously curated by ICSL or reported in the Human Gene Mutation Database (HGMD: prior to June 1st, 2018), and was therefore a candidate for classification through an automated scoring system. Utilizing variant allele frequency, disease prevalence and penetrance estimates, and inheritance mode, an automated score was calculated to assess if this variant is too frequent to cause the disease. Based on the score and internal cut-off values, a variant classified as benign is not then subjected to further curation. The score for this variant resulted in a classification of benign for this disease.

GeneDx
Classification: Benign. Last evaluated: 2015-03-03. Review status: criteria provided, single submitter. Criteria: GeneDx Variant Classification Process June 2021. Collection method: clinical testing. Allele origin: germline. Affected: yes.

Breakthrough Genomics
Classification: Benign. Review status: criteria provided, single submitter. Criteria: ACMG Guidelines, 2015. Collection method: not provided. Allele origin: germline. Inheritance: Autosomal dominant inheritance. Affected: yes.